The following is an entry in ClinVar:

NM_001365480.1(CCDC88A):c.731A>G (p.Glu244Gly)

Gene: CCDC88A (coiled-coil domain containing 88A; minus strand). Cytogenetic location: 2p16.1.
Variant type: single nucleotide variant.
Coding change: c.731A>G on transcript NM_001365480.1 (MANE Select); coding-DNA position 731, A replaced by G.
Protein change: p.Glu244Gly; replaces glutamic acid 244 with glycine.
Molecular consequence: missense variant.
Genome position (GRCh38, 1-based): chr2:55,355,648, T>C on the plus strand (A>G on the coding strand, the complement: CCDC88A is on the minus strand). VCF-style: chr2-55355648-T-C. GRCh37 (hg19) VCF-style: chr2-55582784-T-C.
Other names: c.731A>G, p.Glu244Gly (NM_001135597.2, NM_001254943.2, NM_018084.5); short protein forms E244G.
Identifiers: ClinVar variation 1359844 (VCV001359844.3), dbSNP rs749878943, ClinGen allele CA1666308.

ClinVar aggregate classification (germline): Uncertain significance (1 of 4 stars; one submission).

Allele frequency attached by ClinVar (database versions not stated): TOPMed below 0.00001; ExAC 0.00001; gnomAD exomes 0.00001 and 0.00002.
gnomAD v4.1: 19 of 1,614,164 alleles (0.0012%); highest among the groups gnomAD compares: Non-Finnish European, 0.0015%; no homozygotes.

Submission:

Labcorp Genetics (formerly Invitae), Labcorp
Classification: Uncertain significance. Last evaluated: 2021-10-18. Review status: criteria provided, single submitter. Criteria: Invitae Variant Classification Sherloc (09022015). Collection method: clinical testing. Allele origin: germline.
Comment: This sequence change replaces glutamic acid with glycine at codon 244 of the CCDC88A protein (p.Glu244Gly). The glutamic acid residue is moderately conserved and there is a moderate physicochemical difference between glutamic acid and glycine. This variant is present in population databases (rs749878943, ExAC 0.006%). This variant has not been reported in the literature in individuals affected with CCDC88A-related conditions. Algorithms developed to predict the effect of missense changes on protein structure and function (SIFT, PolyPhen-2, Align-GVGD) all suggest that this variant is likely to be tolerated. In summary, the available evidence is currently insufficient to determine the role of this variant in disease. Therefore, it has been classified as a Variant of Uncertain Significance.